The following is an entry in ClinVar:

ClinVar aggregate classification (germline): Uncertain significance (1 of 4 stars; one submission).

Submission:

GeneDx
Classification: Uncertain significance. Last evaluated: 2026-09-14. Review status: criteria provided, single submitter. Criteria: GeneDx Variant Classification Process June 2021. Collection method: clinical testing. Allele origin: germline.
Comment: Not observed at significant frequency in large population cohorts (gnomAD); In silico analysis supports that this missense variant has a deleterious effect on protein structure/function; Has not been previously published as pathogenic or benign to our knowledge

NM_001244008.2(KIF1A):c.3098C>T (p.Ser1033Phe)

Gene: KIF1A (kinesin family member 1A; minus strand). Cytogenetic location: 2q37.3.
Variant type: single nucleotide variant.
Coding change: c.3098C>T on transcript NM_001244008.2 (MANE Select); coding-DNA position 3098, C replaced by T.
Protein change: p.Ser1033Phe; replaces serine 1033 with phenylalanine.
Molecular consequence: missense variant.
Genome position (GRCh38, 1-based): chr2:240,746,143, G>A on the plus strand (C>T on the coding strand, the complement: KIF1A is on the minus strand). VCF-style: chr2-240746143-G-A. GRCh37 (hg19) VCF-style: chr2-241685560-G-A.
Other names: c.2822C>T, p.Ser941Phe (NM_001320705.2, NM_001330289.2, NM_001379638.1); c.2897C>T, p.Ser966Phe (NM_001330290.2, NM_001379634.1, NM_001379635.1 and 1 more transcripts); c.3173C>T, p.Ser1058Phe (NM_001379631.1); c.3047C>T, p.Ser1016Phe (NM_001379632.1); c.3071C>T, p.Ser1024Phe (NM_001379633.1, NM_001379642.1, NM_001379645.1); c.2795C>T, p.Ser932Phe (NM_001379636.1, NM_001379639.1, NM_001379640.1 and 6 more transcripts); c.2870C>T, p.Ser957Phe (NM_001379637.1, NM_001379648.1); short protein forms S1016F, S1024F, S1033F, S1058F, S932F, S941F, S957F, S966F.
Identifiers: ClinVar variation 3343457 (VCV003343457.2).